The following is an entry in ClinVar:

ClinVar aggregate classification (germline): Uncertain significance. Review status: criteria provided, multiple submitters, no conflicts (2 of 4 stars). 2 submissions from 2 submitters: Uncertain significance (2). Last evaluated 2022-07-23.

Submissions (2):

Labcorp Genetics (formerly Invitae), Labcorp
Classification: Uncertain significance. Last evaluated: 2022-07-23. Review status: criteria provided, single submitter. Criteria: Invitae Variant Classification Sherloc (09022015). Collection method: clinical testing. Allele origin: germline.
Comment: This sequence change replaces isoleucine, which is neutral and non-polar, with threonine, which is neutral and polar, at codon 3531 of the USH2A protein (p.Ile3531Thr). This variant is not present in population databases (gnomAD no frequency). This variant has not been reported in the literature in individuals affected with USH2A-related conditions. Algorithms developed to predict the effect of missense changes on protein structure and function (SIFT, PolyPhen-2, Align-GVGD) all suggest that this variant is likely to be disruptive. In summary, the available evidence is currently insufficient to determine the role of this variant in disease. Therefore, it has been classified as a Variant of Uncertain Significance.

Blueprint Genetics
Classification: Uncertain significance. Last evaluated: 2019-09-27. Review status: criteria provided, single submitter. Criteria: ACMG Guidelines, 2015. Collection method: clinical testing. Allele origin: germline.

NM_206933.4(USH2A):c.10592T>C (p.Ile3531Thr)

Gene: USH2A (usherin; minus strand). Cytogenetic location: 1q41.
Variant type: single nucleotide variant.
Coding change: c.10592T>C on transcript NM_206933.4 (MANE Select); coding-DNA position 10592, T replaced by C.
Protein change: p.Ile3531Thr; replaces isoleucine 3531 with threonine.
Molecular consequence: missense variant.
Genome position (GRCh38, 1-based): chr1:215,782,190, A>G on the plus strand (T>C on the coding strand, the complement: USH2A is on the minus strand). VCF-style: chr1-215782190-A-G. GRCh37 (hg19) VCF-style: chr1-215955532-A-G.
Other names: short protein forms I3531T.
Identifiers: ClinVar variation 2162482 (VCV002162482.2), dbSNP rs1661663501, ClinGen allele CA344837082.
Genomic context (GRCh38, chr1:215,782,190, plus strand): 5'-AAGCTCAGTGATGTTCCCCGAAAACGTTCAATTCCATTTCGAAGAAGGATGTAGTAAATA[A>G]TAGGACCTAAAAGAAGCAGAAAAATGACTGCATTTGAATGTGATATCATTTTAACTATTT-3'
Protein context (NP_996816.3, residues 3521-3541): WRKPIQSNGP[Ile3531Thr]IYYILLRNGI